The following is an entry in ClinVar:

NM_004329.3(BMPR1A):c.675G>A (p.Leu225=)

Gene: BMPR1A (bone morphogenetic protein receptor type 1A; plus strand). Cytogenetic location: 10q23.2.
Variant type: single nucleotide variant.
Coding change: c.675G>A on transcript NM_004329.3 (MANE Select); coding-DNA position 675, G replaced by A.
Protein change: p.Leu225=; no amino-acid change (leucine 225 retained).
Molecular consequence: synonymous variant.
Genome position (GRCh38, 1-based): chr10:86,912,384, G>A. VCF-style: chr10-86912384-G-A. GRCh37 (hg19) VCF-style: chr10-88672141-G-A.
Identifiers: ClinVar variation 491009 (VCV000491009.15), dbSNP rs1554890235, ClinGen allele CA470307764.

ClinVar aggregate classification (germline): Conflicting classifications of pathogenicity. Review status: criteria provided, conflicting classifications (1 of 4 stars). 4 submissions from 4 submitters: Uncertain significance (3); Likely benign (1). Last evaluated 2025-01-13.

Conditions:
Juvenile polyposis syndrome (JPS). Identifiers: Orphanet 2929, MedGen C0345893, MONDO:0017380, OMIM 174900.
Hereditary cancer-predisposing syndrome. Also called: Tumor predisposition; Neoplastic Syndromes, Hereditary; Hereditary Cancer Syndrome; Hereditary neoplastic syndrome. Identifiers: Orphanet 140162, MedGen C0027672, MeSH D009386, MONDO:0015356.

Submissions (4):

Labcorp Genetics (formerly Invitae), Labcorp
Classification: Likely benign for Juvenile polyposis syndrome. Last evaluated: 2025-01-13. Review status: criteria provided, single submitter. Criteria: Invitae Variant Classification Sherloc (09022015). Collection method: clinical testing. Allele origin: germline.

Color Diagnostics, LLC DBA Color Health
Classification: Uncertain significance for Hereditary cancer-predisposing syndrome. Last evaluated: 2024-07-26. Review status: criteria provided, single submitter. Criteria: ACMG Guidelines, 2015. Collection method: clinical testing. Allele origin: germline.
Comment: This synonymous variant alters the conserved c.G at the last nucleotide of exon 8 of the BMPR1A gene. Splice site prediction tools suggest that this variant may not impact RNA splicing, and it has been reported that no splicing impact was observed in an RNA analysis (ClinVar SCV002666475.3). This variant has been reported in an individual affected with early-onset colorectal cancer who had a family history of colorectal cancer (PMID:36049049). This variant has not been identified in the general population by the Genome Aggregation Database (gnomAD). The available evidence is insufficient to determine the role of this variant in disease conclusively. Therefore, this variant is classified as a Variant of Uncertain Significance.

Ambry Genetics
Classification: Uncertain significance for Hereditary cancer-predisposing syndrome. Last evaluated: 2023-04-14. Review status: criteria provided, single submitter. Criteria: Ambry Variant Classification Scheme 2023. Collection method: clinical testing. Allele origin: germline.
Comment: The c.675G>A variant (also known as p.L225L), located in coding exon 6 of the BMPR1A gene, results from a G to A substitution at nucleotide position 675. This nucleotide substitution does not change the leucine at codon 225. However, this change occurs in the last base pair of coding exon 6, which makes it likely to have some effect on normal mRNA splicing. In silico splice site analysis predicts that this alteration will not have any significant effect on splicing and RNA studies have demonstrated that this alteration does not result in abnormal splicing in the set of samples tested (Ambry internal data). This nucleotide position is highly conserved in available vertebrate species. Since supporting evidence is limited at this time, the clinical significance of this alteration remains unclear.

Sema4
Classification: Uncertain significance for Hereditary cancer-predisposing syndrome. Last evaluated: 2022-02-23. Review status: criteria provided, single submitter. Criteria: Sema4 Curation Guidelines. Collection method: curation. Allele origin: germline.
Comment: The BMPR1A c.675G>A (p.L225=) variant has not been reported in the literature to our knowledge. This variant is located at the last nucleotide of exon 8, which is highly conserved. Some silico tools suggest that the variant may affect the splicing of the exon, though these predictions have not been confirmed by functional studies. This variant is not reported in the population database Genome Aggregation Database (PMID: 32461654) but has been reported in ClinVar (Variation ID: 491009). The evidence is insufficient to meet ACMG/AMP criteria for classifying the variant as benign or pathogenic. Thus, the clinical significance of this variant is currently uncertain.

Literature cited by the submitters: PubMed 36049049 (cited by Color Diagnostics, LLC DBA Color Health).